The following is an entry in ClinVar:

ClinVar aggregate classification (germline): Benign/Likely benign. Review status: criteria provided, multiple submitters, no conflicts (2 of 4 stars). 23 submissions from 23 submitters: Benign (15); Likely benign (4). 4 of the submissions do not count toward it. Last evaluated 2026-02-04.

Conditions:
Hereditary cancer-predisposing syndrome. Also called: Tumor predisposition; Hereditary neoplastic syndrome; Neoplastic Syndromes, Hereditary; Hereditary Cancer Syndrome. Identifiers: Orphanet 140162, MedGen C0027672, MeSH D009386, MONDO:0015356.
Hereditary breast ovarian cancer syndrome. Also called: Hereditary breast and ovarian cancer; BRCA1- and BRCA2-Associated Hereditary Breast and Ovarian Cancer; Hereditary breast and/or ovarian cancer syndrome; Hereditary breast and ovarian cancer syndrome; Hereditary breast and ovarian cancer syndrome (HBOC); Breast and ovarian cancer. Identifiers: Orphanet 145, MedGen C0677776, MeSH D061325, MONDO:0003582. Disease mechanism: loss of function.
Carcinoma of colon (CRC). Also called: Colonic carcinoma; Colon carcinoma. Identifiers: MedGen C0699790, MONDO:0002032.
Ataxia-telangiectasia syndrome (AT). Also called: Cerebello-oculocutaneous telangiectasia; Immunodeficiency with ataxia telangiectasia; ATAXIA-TELANGIECTASIA, COMPLEMENTATION GROUP A; ATAXIA-TELANGIECTASIA, FRESNO VARIANT; Ataxia-telangiectasia; Ataxia-telangiectasia, complementation group D. Identifiers: Orphanet 100, MedGen C0004135, MONDO:0008840, OMIM 208900.
Familial cancer of breast. Also called: hereditary breast carcinoma; Hereditary breast cancer; BREAST CANCER, FAMILIAL. Identifiers: Orphanet 227535, MedGen C0346153, MONDO:0016419, OMIM 114480. Disease mechanism: loss of function.

Allele frequency attached by ClinVar (database versions not stated): gnomAD exomes 0.01656; ExAC 0.01692; TOPMed 0.01706; ESP Exome Variant Server 0.01708; 1000 Genomes Project 0.00919; 1000 Genomes Project 30x 0.00953; gnomAD 0.01452.
gnomAD v4.1: 35,561 of 1,613,692 alleles (2.2%); highest among the groups gnomAD compares: Middle Eastern, 3.2%; 492 homozygotes.

Submissions 1 to 22 of 23:

Labcorp Genetics (formerly Invitae), Labcorp
Classification: Benign for Ataxia-telangiectasia syndrome. Last evaluated: 2026-02-04. Review status: criteria provided, single submitter. Criteria: Invitae Variant Classification Sherloc (09022015). Collection method: clinical testing. Allele origin: germline.

Athena Diagnostics
Classification: Benign. Last evaluated: 2025-08-21. Review status: criteria provided, single submitter. Criteria: Athena Diagnostics Criteria. Collection method: clinical testing. Allele origin: unknown.
Comment: The frequency of this variant in the general population is higher than would generally be expected for pathogenic variants in this gene.

ARUP Laboratories, Molecular Genetics and Genomics, ARUP Laboratories
Classification: Benign. Last evaluated: 2025-07-29. Review status: criteria provided, single submitter. Criteria: ARUP Molecular Germline Variant Investigation Process 2024. Collection method: clinical testing. Allele origin: germline.

Center for Genomic Medicine, Rigshospitalet, Copenhagen University Hospital
Classification: Benign. Last evaluated: 2025-03-04. Review status: criteria provided, single submitter. Criteria: ACMG Guidelines, 2015. Collection method: clinical testing. Allele origin: germline.

Blueprint Genetics
Classification: Likely benign. Last evaluated: 2024-11-27. Review status: criteria provided, single submitter. Criteria: ACMG Guidelines, 2015. Collection method: clinical testing. Allele origin: germline.

Mayo Clinic Laboratories, Mayo Clinic
Classification: Benign. Last evaluated: 2024-10-07. Review status: criteria provided, single submitter. Criteria: ACMG Guidelines, 2015. Collection method: clinical testing. Allele origin: germline. Observed: 161 variant alleles.
Comment: BS1, BS2

Myriad Genetics, Inc.
Classification: Benign for Familial cancer of breast. Last evaluated: 2024-05-13. Review status: criteria provided, single submitter. Criteria: Myriad Autosomal Dominant, Autosomal Recessive and X-Linked Classification Criteria (2023). Collection method: clinical testing. Allele origin: unknown.
Comment: This variant is considered benign. This variant has been observed at a population frequency that is significantly greater than expected given the associated disease prevalence and penetrance.

KCCC/NGS Laboratory, Kuwait Cancer Control Center
Classification: Benign for Familial cancer of breast. Last evaluated: 2023-07-07. Review status: criteria provided, single submitter. Criteria: ACMG Guidelines, 2015. Collection method: clinical testing. Allele origin: germline. Affected: yes.

National Health Laboratory Service, Universitas Academic Hospital and University of the Free State
Classification: Likely benign for Hereditary breast ovarian cancer syndrome. Last evaluated: 2022-04-19. Review status: criteria provided, single submitter. Criteria: ACMG Guidelines, 2015. Collection method: clinical testing. Allele origin: germline. Affected: yes. Observed: 2 variant alleles.

Genome-Nilou Lab
Classification: Benign for Ataxia-telangiectasia syndrome. Last evaluated: 2021-07-01. Review status: criteria provided, single submitter. Criteria: ACMG Guidelines, 2015. Collection method: clinical testing. Allele origin: germline. Affected: no.

Sema4
Classification: Benign for Hereditary cancer-predisposing syndrome. Last evaluated: 2020-05-10. Review status: criteria provided, single submitter. Criteria: Sema4 Curation Guidelines. Collection method: curation. Allele origin: germline.

Mendelics
Classification: Benign for Ataxia-telangiectasia syndrome. Last evaluated: 2019-05-28. Review status: criteria provided, single submitter. Criteria: Mendelics Assertion Criteria 2017. Collection method: clinical testing. Allele origin: unknown.

Illumina Laboratory Services, Illumina
Classification: Likely benign for Ataxia-telangiectasia syndrome. Last evaluated: 2017-04-27. Review status: criteria provided, single submitter. Criteria: ICSL Variant Classification Criteria 13 December 2019. Collection method: clinical testing. Allele origin: germline.
Comment: This variant was observed as part of a predisposition screen in an ostensibly healthy population. A literature search was performed for the gene, cDNA change, and amino acid change (where applicable). Publications were found based on this search. The evidence from the literature, in combination with allele frequency data from public databases where available, was sufficient to determine this variant is unlikely to cause disease. Therefore, this variant is classified as likely benign.

GeneDx
Classification: Benign. Last evaluated: 2015-03-03. Review status: criteria provided, single submitter. Criteria: GeneDx Variant Classification Process June 2021. Collection method: clinical testing. Allele origin: germline. Affected: yes.
Comment: This variant is associated with the following publications: (PMID: 30957677, 31382929, 26122175, 18502988, 24728327, 27599564, 27153395, 10464642, 17502119, 22529920, 21833744, 19431188, 23585524, 15101044, 11996792, 20826828, 23125224)

Eurofins Ntd Llc (ga)
Classification: Benign. Last evaluated: 2015-02-09. Review status: criteria provided, single submitter. Criteria: EGL Classification Definitions 2015. Collection method: clinical testing. Allele origin: germline. Observed: 1 variant allele, 1 heterozygote.

Ambry Genetics
Classification: Benign for Hereditary cancer-predisposing syndrome. Last evaluated: 2014-11-18. Review status: criteria provided, single submitter. Criteria: Ambry Variant Classification Scheme 2023. Collection method: clinical testing. Allele origin: germline.

Color Diagnostics, LLC DBA Color Health
Classification: Benign for Hereditary cancer-predisposing syndrome. Last evaluated: 2014-11-10. Review status: criteria provided, single submitter. Criteria: ACMG Guidelines, 2015. Collection method: clinical testing. Allele origin: germline.

Breakthrough Genomics
Classification: Likely benign. Review status: criteria provided, single submitter. Criteria: ACMG Guidelines, 2015. Collection method: not provided. Allele origin: germline. Inheritance: Autosomal recessive inheritance. Affected: yes.

PreventionGenetics, part of Exact Sciences
Classification: Benign. Review status: criteria provided, single submitter. Criteria: ACMG Guidelines, 2015. Collection method: clinical testing. Allele origin: germline.

True Health Diagnostics
Classification: Benign for Hereditary cancer-predisposing syndrome. Last evaluated: 2018-01-25. Review status: no assertion criteria provided. Collection method: clinical testing. Allele origin: germline. Not counted in ClinVar's aggregate classification.

Counsyl
Classification: Benign for Ataxia-telangiectasia syndrome. Last evaluated: 2018-01-19. Review status: no assertion criteria provided. Collection method: clinical testing. Allele origin: unknown. Not counted in ClinVar's aggregate classification.

ITMI
No classification provided. Condition: AllHighlyPenetrant. Last evaluated: 2013-09-19. Review status: no classification provided. Collection method: reference population. Allele origin: germline. Not counted in ClinVar's aggregate classification.
Comment: Please see associated publication for description of ethnicities

NM_000051.4(ATM):c.3161C>G (p.Pro1054Arg)

Gene: ATM (ATM serine/threonine kinase; plus strand). Cytogenetic location: 11q22.3.
Variant type: single nucleotide variant.
Coding change: c.3161C>G on transcript NM_000051.4 (MANE Select); coding-DNA position 3161, C replaced by G.
Protein change: p.Pro1054Arg; replaces proline 1054 with arginine.
Molecular consequence: missense variant.
Genome position (GRCh38, 1-based): chr11:108,272,729, C>G. VCF-style: chr11-108272729-C-G. GRCh37 (hg19) VCF-style: chr11-108143456-C-G.
Other names: NP_000042.3:p.Pro1054Arg; c.3161C>G, p.Pro1054Arg (NM_001351834.2); short protein forms P1054R.
Identifiers: ClinVar variation 132695 (VCV000132695.53), dbSNP rs1800057, ClinGen allele CA157098.